The following is an entry in ClinVar:

NM_000257.4(MYH7):c.5496C>T (p.Arg1832=)

Gene: MYH7 (myosin heavy chain 7; minus strand). Cytogenetic location: 14q11.2.
Variant type: single nucleotide variant.
Coding change: c.5496C>T on transcript NM_000257.4 (MANE Select); coding-DNA position 5496, C replaced by T.
Protein change: p.Arg1832=; no amino-acid change (arginine 1832 retained).
Molecular consequence: synonymous variant.
Genome position (GRCh38, 1-based): chr14:23,415,058, G>A on the plus strand (C>T on the coding strand, the complement: MYH7 is on the minus strand). VCF-style: chr14-23415058-G-A. GRCh37 (hg19) VCF-style: chr14-23884267-G-A.
Other names: c.5496C>T, p.Arg1832= (NM_001407004.1).
Identifiers: ClinVar variation 3071927 (VCV003071927.3), dbSNP rs1892129217, ClinGen allele CA485765912.

ClinVar aggregate classification (germline): Likely benign. Review status: criteria provided, multiple submitters, no conflicts (2 of 4 stars). 2 submissions from 2 submitters: Likely benign (2). Last evaluated 2025-06-11.

Conditions:
Hypertrophic cardiomyopathy. Also called: HYPERTROPHIC MYOCARDIOPATHY. Identifiers: Orphanet 217569, MedGen C0007194, MeSH D002312, MONDO:0005045, HP:0001639.
Cardiomyopathy (CMYO). Also called: Cardiomyopathies. Identifiers: Orphanet 167848, MedGen C0878544, MONDO:0004994, HP:0001638. Inheritance: Various modes of inheritance.

Allele frequency attached by ClinVar (database versions not stated): gnomAD exomes below 0.00001.
gnomAD v4.1: 1 of 1,612,978 alleles (0.000062%); highest among the groups gnomAD compares: Non-Finnish European, 0.000085%; no homozygotes.

Submissions (2):

Labcorp Genetics (formerly Invitae), Labcorp
Classification: Likely benign for Hypertrophic cardiomyopathy. Last evaluated: 2025-06-11. Review status: criteria provided, single submitter. Criteria: Invitae Variant Classification Sherloc (09022015). Collection method: clinical testing. Allele origin: germline.

All of Us Research Program, National Institutes of Health
Classification: Likely benign for Cardiomyopathy. Last evaluated: 2023-06-26. Review status: criteria provided, single submitter. Criteria: ACMG Guidelines, 2015. Collection method: clinical testing. Allele origin: germline. Inheritance: Autosomal dominant inheritance. Observed: 1 variant allele, 1 heterozygote.
Comment: This study involves interpretation of variants in research participants for the purpose of population health screening. Participant phenotype was not available at the time of variant classification. Additional details can be found in publication PMID: 35346344, PMCID: PMC8962531